The following is an entry in ClinVar:

NM_000229.2(LCAT):c.970C>G (p.Leu324Val)

Gene: LCAT (lecithin-cholesterol acyltransferase; minus strand). Cytogenetic location: 16q22.1.
Variant type: single nucleotide variant.
Coding change: c.970C>G on transcript NM_000229.2 (MANE Select); coding-DNA position 970, C replaced by G.
Protein change: p.Leu324Val; replaces leucine 324 with valine.
Molecular consequence: missense variant.
Genome position (GRCh38, 1-based): chr16:67,940,257, G>C on the plus strand (C>G on the coding strand, the complement: LCAT is on the minus strand). VCF-style: chr16-67940257-G-C. GRCh37 (hg19) VCF-style: chr16-67974160-G-C.
Other names: short protein forms L324V.
Identifiers: ClinVar variation 5023514 (VCV005023514.1).

ClinVar aggregate classification (germline): Uncertain significance (1 of 4 stars; one submission).

Conditions:
Cardiovascular phenotype. Identifiers: MedGen CN230736.

gnomAD v4.1: 1 of 1,613,882 alleles (0.000062%); no homozygotes.

Submission:

Ambry Genetics
Classification: Uncertain significance for Cardiovascular phenotype. Last evaluated: 2026-09-14. Review status: criteria provided, single submitter. Criteria: Ambry Variant Classification Scheme 2023. Collection method: clinical testing. Allele origin: germline.
Comment: The p.L324V variant (also known as c.970C>G), located in coding exon 6 of the LCAT gene, results from a C to G substitution at nucleotide position 970. The leucine at codon 324 is replaced by valine, an amino acid with highly similar properties. This amino acid position is conserved. In addition, the in silico prediction for this alteration is inconclusive. Based on the available evidence, the clinical significance of this variant remains unclear.